The following is an entry in ClinVar:

ClinVar aggregate classification (germline): Uncertain significance (1 of 4 stars; one submission).

Conditions:
RASopathy. Also called: Noonan spectrum disorder; rasopathies. Identifiers: Orphanet 536391, MedGen C5555857, MONDO:0021060.

Submission:

Labcorp Genetics (formerly Invitae), Labcorp
Classification: Uncertain significance for RASopathy. Last evaluated: 2024-11-26. Review status: criteria provided, single submitter. Criteria: Invitae Variant Classification Sherloc (09022015). Collection method: clinical testing. Allele origin: germline.
Comment: This sequence change replaces proline, which is neutral and non-polar, with arginine, which is basic and polar, at codon 1083 of the SOS1 protein (p.Pro1083Arg). This variant is not present in population databases (gnomAD no frequency). This variant has not been reported in the literature in individuals affected with SOS1-related conditions. ClinVar contains an entry for this variant (Variation ID: 2112132). Invitae Evidence Modeling of protein sequence and biophysical properties (such as structural, functional, and spatial information, amino acid conservation, physicochemical variation, residue mobility, and thermodynamic stability) has been performed for this missense variant. However, the output from this modeling did not meet the statistical confidence thresholds required to predict the impact of this variant on SOS1 protein function. In summary, the available evidence is currently insufficient to determine the role of this variant in disease. Therefore, it has been classified as a Variant of Uncertain Significance.

NM_005633.4(SOS1):c.3248C>G (p.Pro1083Arg)

Gene: SOS1 (SOS Ras/Rac guanine nucleotide exchange factor 1; minus strand). Cytogenetic location: 2p22.1.
Variant type: single nucleotide variant.
Coding change: c.3248C>G on transcript NM_005633.4 (MANE Select); coding-DNA position 3248, C replaced by G.
Protein change: p.Pro1083Arg; replaces proline 1083 with arginine.
Molecular consequence: missense variant.
Genome position (GRCh38, 1-based): chr2:38,995,221, G>C on the plus strand (C>G on the coding strand, the complement: SOS1 is on the minus strand). VCF-style: chr2-38995221-G-C. GRCh37 (hg19) VCF-style: chr2-39222362-G-C.
Other names: c.3227C>G, p.Pro1076Arg (NM_001382394.1); c.3248C>G, p.Pro1083Arg (NM_001382395.1); short protein forms P1076R, P1083R.
Identifiers: ClinVar variation 2112132 (VCV002112132.4), dbSNP rs2528914780, ClinGen allele CA346360611.
Genomic context (GRCh38, chr2:38,995,221, plus strand): 5'-CTGCAAACATCTGTGGTACTGGAAGCACCAGAAGCAGGCGGAGGTGTTAACGGTGTTCTT[G>C]GAGAATTTGGTGCAGATGCTGTACTTTCTGTTTCACTTTCAGGGATCCTACTATAACTAA-3'
Protein context (NP_005624.2, residues 1073-1093): TESTASAPNS[Pro1083Arg]RTPLTPPPAS